The following is an entry in ClinVar:

NM_001164665.2(KIAA1549):c.3816G>C (p.Leu1272Phe)

Gene: KIAA1549 (KIAA1549; minus strand). Cytogenetic location: 7q34.
Variant type: single nucleotide variant.
Coding change: c.3816G>C on transcript NM_001164665.2 (MANE Select); coding-DNA position 3816, G replaced by C.
Protein change: p.Leu1272Phe; replaces leucine 1272 with phenylalanine.
Molecular consequence: missense variant.
Genome position (GRCh38, 1-based): chr7:138,898,986, C>G on the plus strand (G>C on the coding strand, the complement: KIAA1549 is on the minus strand). VCF-style: chr7-138898986-C-G. GRCh37 (hg19) VCF-style: chr7-138583732-C-G.
Other names: c.3816G>C, p.Leu1272Phe (NM_020910.3); short protein forms L1272F.
Identifiers: ClinVar variation 1717294 (VCV001717294.5), dbSNP rs1195508927, ClinGen allele CA369381300.

ClinVar aggregate classification (germline): Uncertain significance (1 of 4 stars; one submission).

Submission:

Labcorp Genetics (formerly Invitae), Labcorp
Classification: Uncertain significance. Last evaluated: 2022-08-21. Review status: criteria provided, single submitter. Criteria: Invitae Variant Classification Sherloc (09022015). Collection method: clinical testing. Allele origin: germline.
Comment: This variant is not present in population databases (gnomAD no frequency). In summary, the available evidence is currently insufficient to determine the role of this variant in disease. Therefore, it has been classified as a Variant of Uncertain Significance. Algorithms developed to predict the effect of missense changes on protein structure and function are either unavailable or do not agree on the potential impact of this missense change (SIFT: "Deleterious"; PolyPhen-2: "Probably Damaging"; Align-GVGD: "Class C15"). This variant has not been reported in the literature in individuals affected with KIAA1549-related conditions. This sequence change replaces leucine, which is neutral and non-polar, with phenylalanine, which is neutral and non-polar, at codon 1272 of the KIAA1549 protein (p.Leu1272Phe).